The following is an entry in ClinVar:

ClinVar aggregate classification (germline): Uncertain significance (1 of 4 stars; one submission).

Submission:

Dasa
Classification: Uncertain significance. Last evaluated: 2025-02-14. Review status: criteria provided, single submitter. Criteria: DASA Assertion Criteria. Collection method: clinical testing. Allele origin: germline.
Comment: NM_012090.5(MACF1):c.185T>G (p.Leu62Arg) is a missense variant that results in the substitution of leucine with arginine. This variant is absent from population databases. Computational prediction algorithms are consistent with a deleterious effect. The currently available literature and clinical evidence are not sufficient to establish a definitive association between this variant and the reported condition. Therefore, this variant is classified as a variant of uncertain significance.

NM_012090.5(MACF1):c.185T>G (p.Leu62Arg)

Gene: MACF1 (microtubule actin crosslinking factor 1; plus strand). Cytogenetic location: 1p34.3.
Variant type: single nucleotide variant.
Coding change: c.185T>G on transcript NM_012090.5; coding-DNA position 185, T replaced by G.
Protein change: p.Leu62Arg; replaces leucine 62 with arginine.
Molecular consequence: missense variant.
Genome position (GRCh38, 1-based): chr1:39,084,403, T>G. VCF-style: chr1-39084403-T-G. GRCh37 (hg19) VCF-style: chr1-39550075-T-G.
Other names: short protein forms L62R.
Identifiers: ClinVar variation 4881807 (VCV004881807.2).
Genomic context (GRCh38, chr1:39,084,403, plus strand): 5'-CCTTGCCCTGGAACCTGCCACTGCATGAGCAGAAAAAGCGGAAAAGCCAGGATTCGGTGC[T>G]GGACCCTGCAGAGCGTGCTGTGGTCAGAGTCGCTGGTAAGAGAGGTCCCCCAGCAGGCTG-3'